The following is an entry in ClinVar:

NM_022095.4(ZNF335):c.3488-6G>A

Gene: ZNF335 (zinc finger protein 335; minus strand). Cytogenetic location: 20q13.12.
Variant type: single nucleotide variant.
Coding change: c.3488-6G>A on transcript NM_022095.4 (MANE Select); 6 bases into the intron before coding-DNA position 3488, G replaced by A.
Molecular consequence: intron variant.
Genome position (GRCh38, 1-based): chr20:45,950,075, C>T on the plus strand (G>A on the coding strand, the complement: ZNF335 is on the minus strand). VCF-style: chr20-45950075-C-T. GRCh37 (hg19) VCF-style: chr20-44578714-C-T.
Identifiers: ClinVar variation 498079 (VCV000498079.21), dbSNP rs201983124, ClinGen allele CA9885000.

ClinVar aggregate classification (germline): Benign/Likely benign. Review status: criteria provided, multiple submitters, no conflicts (2 of 4 stars). 5 submissions from 5 submitters: Benign (3); Likely benign (2). Last evaluated 2026-01-29.

Conditions:
ZNF335-related disorder. Also called: ZNF335-related condition.
Microcephalic primordial dwarfism due to ZNF335 deficiency. Also called: Primary autosomal recessive microcephaly 10. Identifiers: Orphanet 329228, MedGen C3554499, MONDO:0014043, OMIM 615095.

Allele frequency attached by ClinVar (database versions not stated): gnomAD exomes 0.00030 and 0.00075; ExAC 0.00093; 1000 Genomes Project 0.00280; ESP Exome Variant Server 0.00284; 1000 Genomes Project 30x 0.00297; gnomAD 0.00311 and 0.00338; TOPMed 0.00397.
gnomAD v4.1: 920 of 1,613,130 alleles (0.057%); highest among the groups gnomAD compares: African/African-American, 1.1%; 4 homozygotes.

Submissions (5):

Labcorp Genetics (formerly Invitae), Labcorp
Classification: Benign. Last evaluated: 2026-01-29. Review status: criteria provided, single submitter. Criteria: Invitae Variant Classification Sherloc (09022015). Collection method: clinical testing. Allele origin: germline.

CeGaT Center for Human Genetics Tuebingen
Classification: Likely benign. Last evaluated: 2025-12-01. Review status: criteria provided, single submitter. Criteria: CeGaT Center For Human Genetics Tuebingen Variant Classification Criteria Version 2. Collection method: clinical testing. Allele origin: germline. Affected: yes. Observed: 1 variant allele.
Comment: ZNF335: BP4, BS1

PreventionGenetics, part of Exact Sciences
Classification: Likely benign for ZNF335-related condition. Last evaluated: 2025-02-10. Review status: criteria provided, single submitter. Criteria: ACMG Guidelines, 2015. Collection method: clinical testing. Allele origin: germline.
Comment: This variant is classified as likely benign based on ACMG/AMP sequence variant interpretation guidelines (Richards et al. 2015 PMID: 25741868, with internal and published modifications).

Genome-Nilou Lab
Classification: Benign for Microcephalic primordial dwarfism due to ZNF335 deficiency. Last evaluated: 2021-12-05. Review status: criteria provided, single submitter. Criteria: ACMG Guidelines, 2015. Collection method: clinical testing. Allele origin: germline. Affected: no.

Eurofins Ntd Llc (ga)
Classification: Benign. Last evaluated: 2016-11-15. Review status: criteria provided, single submitter. Criteria: EGL Classification Definitions 2015. Collection method: clinical testing. Allele origin: germline. Observed: 1 variant allele, 1 heterozygote.